The following is an entry in ClinVar:

NM_022089.4(ATP13A2):c.1766C>T (p.Pro589Leu)

Gene: ATP13A2 (ATPase cation transporting 13A2; minus strand). Cytogenetic location: 1p36.13.
Variant type: single nucleotide variant.
Coding change: c.1766C>T on transcript NM_022089.4 (MANE Select); coding-DNA position 1766, C replaced by T.
Protein change: p.Pro589Leu; replaces proline 589 with leucine.
Molecular consequence: missense variant.
Genome position (GRCh38, 1-based): chr1:16,992,565, G>A on the plus strand (C>T on the coding strand, the complement: ATP13A2 is on the minus strand). VCF-style: chr1-16992565-G-A. GRCh37 (hg19) VCF-style: chr1-17319060-G-A.
Other names: c.1751C>T, p.Pro584Leu (NM_001141973.3, NM_001141974.3); short protein forms P584L, P589L.
Identifiers: ClinVar variation 1187232 (VCV001187232.14), dbSNP rs758992649, ClinGen allele CA637089.
Genomic context (GRCh38, chr1:16,992,565, plus strand): 5'-TCCCAAAGTGGGGGTCTCATCACTGCCAAGACCTGGGTCCCAAATGCTGAGTCTGCAGCC[G>A]GCTCTTCCTCCAGGACCTGGCAGGCAGGCAGGGAAGTTTGGTGTCTGGGGGCTTTGGCTC-3'
Protein context (NP_071372.1, residues 579-599): ESTGWVLEEE[Pro589Leu]AADSAFGTQV

ClinVar aggregate classification (germline): Conflicting classifications of pathogenicity. Review status: criteria provided, conflicting classifications (1 of 4 stars). 3 submissions from 3 submitters: Uncertain significance (2); Likely benign (1). Last evaluated 2026-07-28.

Conditions:
Inborn genetic diseases. Identifiers: MedGen C0950123, MeSH D030342.
Autosomal recessive spastic paraplegia type 78. Identifiers: Orphanet 513436, MedGen C5567893, MONDO:0014975, OMIM 617225.
Kufor-Rakeb syndrome (KRS). Also called: PARKINSON DISEASE 9, AUTOSOMAL RECESSIVE, JUVENILE-ONSET. Identifiers: Orphanet 306674, Orphanet 314632, MedGen C1847640, MONDO:0011706, OMIM 606693.

Allele frequency attached by ClinVar (database versions not stated): ExAC 0.00006; gnomAD exomes 0.00004 and 0.00006; TOPMed 0.00006.
gnomAD v4.1: 108 of 1,614,098 alleles (0.0067%); highest among the groups gnomAD compares: South Asian, 0.025%; no homozygotes.

Submissions (3):

GeneDx
Classification: Uncertain significance. Last evaluated: 2026-07-28. Review status: criteria provided, single submitter. Criteria: GeneDx Variant Classification Process June 2021. Collection method: clinical testing. Allele origin: germline.
Comment: In silico analysis supports that this missense variant has a deleterious effect on protein structure/function; Has not been previously published as pathogenic or benign to our knowledge

Ambry Genetics
Classification: Likely benign for Inborn genetic diseases. Last evaluated: 2025-08-21. Review status: criteria provided, single submitter. Criteria: Ambry Variant Classification Scheme 2023. Collection method: clinical testing. Allele origin: germline.

Labcorp Genetics (formerly Invitae), Labcorp
Classification: Uncertain significance for Kufor-Rakeb syndrome; Autosomal recessive spastic paraplegia type 78. Last evaluated: 2024-08-05. Review status: criteria provided, single submitter. Criteria: Invitae Variant Classification Sherloc (09022015). Collection method: clinical testing. Allele origin: germline.
Comment: This sequence change replaces proline, which is neutral and non-polar, with leucine, which is neutral and non-polar, at codon 589 of the ATP13A2 protein (p.Pro589Leu). This variant is present in population databases (rs758992649, gnomAD 0.03%). This variant has not been reported in the literature in individuals affected with ATP13A2-related conditions. ClinVar contains an entry for this variant (Variation ID: 1187232). Advanced modeling of protein sequence and biophysical properties (such as structural, functional, and spatial information, amino acid conservation, physicochemical variation, residue mobility, and thermodynamic stability) performed at Invitae indicates that this missense variant is not expected to disrupt ATP13A2 protein function with a negative predictive value of 80%. In summary, the available evidence is currently insufficient to determine the role of this variant in disease. Therefore, it has been classified as a Variant of Uncertain Significance.